The following is an entry in ClinVar:

NM_017612.5(ZCCHC8):c.1475C>T (p.Thr492Ile)

Gene: ZCCHC8 (zinc finger CCHC-type containing 8; minus strand). Cytogenetic location: 12q24.31.
Variant type: single nucleotide variant.
Coding change: c.1475C>T on transcript NM_017612.5 (MANE Select); coding-DNA position 1475, C replaced by T.
Protein change: p.Thr492Ile; replaces threonine 492 with isoleucine.
Molecular consequence: missense variant.
Genome position (GRCh38, 1-based): chr12:122,474,146, G>A on the plus strand (C>T on the coding strand, the complement: ZCCHC8 is on the minus strand). VCF-style: chr12-122474146-G-A. GRCh37 (hg19) VCF-style: chr12-122958693-G-A.
Other names: c.1244C>T, p.Thr415Ile (NM_001350935.2); c.1178C>T, p.Thr393Ile (NM_001350936.2); c.761C>T, p.Thr254Ile (NM_001350937.2, NM_001350938.2); short protein forms T254I, T492I, T393I, T415I.
Identifiers: ClinVar variation 1945297 (VCV001945297.5), dbSNP rs749380478, ClinGen allele CA6846161.

ClinVar aggregate classification (germline): Uncertain significance (1 of 4 stars; one submission).

Allele frequency attached by ClinVar (database versions not stated): gnomAD exomes below 0.00001; ExAC 0.00001.
gnomAD v4.1: 4 of 1,509,892 alleles (0.00026%); highest among the groups gnomAD compares: South Asian, 0.0042%; no homozygotes.

Submission:

Labcorp Genetics (formerly Invitae), Labcorp
Classification: Uncertain significance. Last evaluated: 2024-11-19. Review status: criteria provided, single submitter. Criteria: Invitae Variant Classification Sherloc (09022015). Collection method: clinical testing. Allele origin: germline.
Comment: This sequence change replaces threonine, which is neutral and polar, with isoleucine, which is neutral and non-polar, at codon 492 of the ZCCHC8 protein (p.Thr492Ile). This variant is present in population databases (rs749380478, gnomAD 0.008%). This variant has not been reported in the literature in individuals affected with ZCCHC8-related conditions. ClinVar contains an entry for this variant (Variation ID: 1945297). Invitae Evidence Modeling of protein sequence and biophysical properties (such as structural, functional, and spatial information, amino acid conservation, physicochemical variation, residue mobility, and thermodynamic stability) indicates that this missense variant is expected to disrupt ZCCHC8 protein function with a positive predictive value of 80%. In summary, the available evidence is currently insufficient to determine the role of this variant in disease. Therefore, it has been classified as a Variant of Uncertain Significance.